The following is an entry in ClinVar:

NM_198994.3(TGM6):c.533A>G (p.Asn178Ser)

Gene: TGM6 (transglutaminase 6; plus strand). Cytogenetic location: 20p13.
Variant type: single nucleotide variant.
Coding change: c.533A>G on transcript NM_198994.3 (MANE Select); coding-DNA position 533, A replaced by G.
Protein change: p.Asn178Ser; replaces asparagine 178 with serine.
Molecular consequence: missense variant.
Genome position (GRCh38, 1-based): chr20:2,396,614, A>G. VCF-style: chr20-2396614-A-G. GRCh37 (hg19) VCF-style: chr20-2377260-A-G.
Other names: c.533A>G, p.Asn178Ser (NM_001254734.2); short protein forms N178S.
Identifiers: ClinVar variation 4984386 (VCV004984386.1).

ClinVar aggregate classification (germline): Uncertain significance (1 of 4 stars; one submission).

Conditions:
TGM6-related disorder. Also called: TGM6-related condition.

gnomAD v4.1: 4 of 1,614,196 alleles (0.00025%); highest among the groups gnomAD compares: Non-Finnish European, 0.00025%; no homozygotes.

Submission:

PreventionGenetics, part of Exact Sciences
Classification: Uncertain significance for TGM6-related condition. Last evaluated: 2026-09-11. Review status: criteria provided, single submitter. Criteria: ACMG Guidelines, 2015. Collection method: clinical testing. Allele origin: germline.
Comment: The TGM6 c.533A>G variant is predicted to result in the amino acid substitution p.Asn178Ser. To our knowledge, this variant has not been reported in the literature. This variant is reported in 0.00088% of alleles in individuals of European (Non-Finnish) descent in gnomAD. At this time, the clinical significance of this variant is uncertain due to the absence of conclusive functional and genetic evidence.